The following is an entry in ClinVar:

NM_175737.4(KLB):c.2240C>T (p.Ala747Val)

Gene: KLB (klotho beta; plus strand). Cytogenetic location: 4p14.
Variant type: single nucleotide variant.
Coding change: c.2240C>T on transcript NM_175737.4 (MANE Select); coding-DNA position 2240, C replaced by T.
Protein change: p.Ala747Val; replaces alanine 747 with valine.
Molecular consequence: missense variant.
Genome position (GRCh38, 1-based): chr4:39,446,966, C>T. VCF-style: chr4-39446966-C-T. GRCh37 (hg19) VCF-style: chr4-39448586-C-T.
Other names: c.2240C>T (NM_175737.3); short protein forms A747V.
Identifiers: ClinVar variation 1599207 (VCV001599207.11), dbSNP rs35372803, ClinGen allele CA2893969.

ClinVar aggregate classification (germline): Benign. Review status: criteria provided, multiple submitters, no conflicts (2 of 4 stars). 3 submissions from 3 submitters: Benign (2). 1 of the submissions does not count toward it. Last evaluated 2026-02-02.

Conditions:
KLB-related disorder. Also called: KLB-related condition.

Allele frequency attached by ClinVar (database versions not stated): 1000 Genomes Project 30x 0.01530; ExAC 0.03824; gnomAD 0.03529; 1000 Genomes Project 0.01577; ESP Exome Variant Server 0.03631; gnomAD exomes 0.04923.
gnomAD v4.1: 76,572 of 1,606,872 alleles (4.8%); highest among the groups gnomAD compares: Non-Finnish European, 5.6%; 2,171 homozygotes.

Submissions (3):

Labcorp Genetics (formerly Invitae), Labcorp
Classification: Benign. Last evaluated: 2026-02-02. Review status: criteria provided, single submitter. Criteria: Invitae Variant Classification Sherloc (09022015). Collection method: clinical testing. Allele origin: germline.

Breakthrough Genomics
Classification: Benign. Review status: criteria provided, single submitter. Criteria: ACMG Guidelines, 2015. Collection method: not provided. Allele origin: germline. Inheritance: Unknown mechanism. Affected: yes.

PreventionGenetics, part of Exact Sciences
Classification: Benign for KLB-related condition. Last evaluated: 2019-02-21. Review status: no assertion criteria provided. Collection method: clinical testing. Allele origin: germline. Not counted in ClinVar's aggregate classification.
Comment: This variant is classified as benign based on ACMG/AMP sequence variant interpretation guidelines (Richards et al. 2015 PMID: 25741868, with internal and published modifications).